The following is an entry in ClinVar:

ClinVar aggregate classification (germline): Uncertain significance (1 of 4 stars; one submission).

gnomAD v4.1: 2 of 1,613,864 alleles (0.00012%); highest among the groups gnomAD compares: African/African-American, 0.0027%; no homozygotes.

Submission:

GeneDx
Classification: Uncertain significance. Last evaluated: 2024-03-23. Review status: criteria provided, single submitter. Criteria: GeneDx Variant Classification Process June 2021. Collection method: clinical testing. Allele origin: germline. Affected: yes.
Comment: Not observed at significant frequency in large population cohorts (gnomAD); In silico analysis supports that this missense variant has a deleterious effect on protein structure/function; Has not been previously published as pathogenic or benign to our knowledge

NM_001370658.1(BTD):c.302C>T (p.Thr101Ile)

Gene: BTD (biotinidase; plus strand). Cytogenetic location: 3p25.1.
Variant type: single nucleotide variant.
Coding change: c.302C>T on transcript NM_001370658.1 (MANE Select); coding-DNA position 302, C replaced by T.
Protein change: p.Thr101Ile; replaces threonine 101 with isoleucine.
Molecular consequence: missense variant.
Genome position (GRCh38, 1-based): chr3:15,641,960, C>T. VCF-style: chr3-15641960-C-T. GRCh37 (hg19) VCF-style: chr3-15683467-C-T.
Other names: c.302C>T, p.Thr101Ile (NM_001281723.4, NM_001281724.3, NM_001281725.3 and 36 more transcripts); c.365C>T, p.Thr122Ile (NM_001407381.1); short protein forms T101I, T122I.
Identifiers: ClinVar variation 3371445 (VCV003371445.1).